The following is an entry in ClinVar:

NM_002834.5(PTPN11):c.865A>G (p.Arg289Gly)

Gene: PTPN11 (protein tyrosine phosphatase non-receptor type 11; plus strand). Cytogenetic location: 12q24.13.
Variant type: single nucleotide variant.
Coding change: c.865A>G on transcript NM_002834.5 (MANE Select); coding-DNA position 865, A replaced by G.
Protein change: p.Arg289Gly; replaces arginine 289 with glycine.
Molecular consequence: missense variant.
Genome position (GRCh38, 1-based): chr12:112,477,662, A>G. VCF-style: chr12-112477662-A-G. GRCh37 (hg19) VCF-style: chr12-112915466-A-G.
Other names: c.865A>G, p.Arg289Gly (NM_001330437.2, NM_080601.3); c.862A>G, p.Arg288Gly (NM_001374625.1); short protein forms R288G, R289G.
Identifiers: ClinVar variation 1194782 (VCV001194782.11), dbSNP rs2135901005, ClinGen allele CA386790475.

ClinVar aggregate classification (germline): Conflicting classifications of pathogenicity. Review status: criteria provided, conflicting classifications (1 of 4 stars). 4 submissions from 4 submitters: Likely pathogenic (1); Uncertain significance (3). Last evaluated 2026-01-09.

Conditions:
LEOPARD syndrome 1 (LPRD1). Also called: LENTIGINOSIS, CARDIOMYOPATHIC; MULTIPLE LENTIGINES SYNDROME; PTPN11-Related LEOPARD Syndrome. Identifiers: Orphanet 500, MedGen C4551484, MONDO:0100082, OMIM 151100.
Juvenile myelomonocytic leukemia (JMML). Also called: LEUKEMIA, JUVENILE MYELOMONOCYTIC, SOMATIC. Identifiers: Orphanet 86834, MedGen C0349639, MONDO:0011908, OMIM 607785, HP:0012209.
Metachondromatosis (METCDS). Identifiers: Orphanet 2499, MedGen C0410530, MONDO:0007979, OMIM 156250.
Noonan syndrome 1 (NS1). Also called: FEMALE PSEUDO-TURNER SYNDROME; TURNER PHENOTYPE WITH NORMAL KARYOTYPE; PTPN11-Related Noonan Syndrome. Identifiers: Orphanet 648, MedGen C4551602, MONDO:0008104, OMIM 163950. Disease mechanism: gain of function.
Cardiovascular phenotype. Identifiers: MedGen CN230736.
RASopathy. Also called: rasopathies; Noonan spectrum disorder. Identifiers: Orphanet 536391, MedGen C5555857, MONDO:0021060.

Submissions (4):

GeneDx
Classification: Uncertain significance. Last evaluated: 2026-01-09. Review status: criteria provided, single submitter. Criteria: GeneDx Variant Classification Process June 2021. Collection method: clinical testing. Allele origin: germline. Affected: yes.
Comment: Reported in two unrelated patients with Noonan syndrome in published literature, but no phenotype information was provided (PMID: 30896080); Reported as a de novo variant in a fetus with hydrops fetalis and cystic hygroma; this fetus was also reported to have Turner syndrome (PMID: 39252126); Functional studies show this variant may lead to a slight decrease in catalytic activity (PMID: 15604238); the mechanism of disease for PTPN11 variants is usually gain-of-function; Missense variants in this gene are a common cause of disease and they are underrepresented in the general population; In silico analysis supports that this missense variant has a deleterious effect on protein structure/function; Not observed at significant frequency in large population cohorts (gnomAD); This variant is associated with the following publications: (PMID: 18470943, 16631468, 30896080, 29493581, 15604238, 39252126)

Ambry Genetics
Classification: Uncertain significance for Cardiovascular phenotype. Last evaluated: 2024-04-24. Review status: criteria provided, single submitter. Criteria: Ambry Variant Classification Scheme 2023. Collection method: clinical testing. Allele origin: germline.
Comment: The p.R289G variant (also known as c.865A>G), located in coding exon 8 of the PTPN11 gene, results from an A to G substitution at nucleotide position 865. The arginine at codon 289 is replaced by glycine, an amino acid with dissimilar properties. This alteration has been reported in a Noonan syndrome cohort; however, clinical details were limited (Yu KPT et al. Am J Med Genet C Semin Med Genet, 2019 Jun;181:208-217). This amino acid position is highly conserved in available vertebrate species. In addition, this alteration is predicted to be deleterious by in silico analysis. Based on the available evidence, the clinical significance of this variant remains unclear.

Labcorp Genetics (formerly Invitae), Labcorp
Classification: Likely pathogenic for RASopathy. Last evaluated: 2023-11-13. Review status: criteria provided, single submitter. Criteria: Invitae Variant Classification Sherloc (09022015). Collection method: clinical testing. Allele origin: germline.
Comment: This sequence change replaces arginine, which is basic and polar, with glycine, which is neutral and non-polar, at codon 289 of the PTPN11 protein (p.Arg289Gly). This variant is not present in population databases (gnomAD no frequency). This missense change has been observed in individuals with clinical features of Noonan syndrome (PMID: 30896080). ClinVar contains an entry for this variant (Variation ID: 1194782). Advanced modeling of protein sequence and biophysical properties (such as structural, functional, and spatial information, amino acid conservation, physicochemical variation, residue mobility, and thermodynamic stability) performed at Invitae indicates that this missense variant is expected to disrupt PTPN11 protein function with a positive predictive value of 95%. Experimental studies have shown that this missense change affects PTPN11 function (PMID: 18470943). In summary, the currently available evidence indicates that the variant is pathogenic, but additional data are needed to prove that conclusively. Therefore, this variant has been classified as Likely Pathogenic.

Fulgent Genetics
Classification: Uncertain significance for LEOPARD syndrome 1; Metachondromatosis; Noonan syndrome 1; Juvenile myelomonocytic leukemia. Last evaluated: 2022-03-08. Review status: criteria provided, single submitter. Criteria: ACMG Guidelines, 2015. Collection method: clinical testing. Allele origin: unknown.

Literature cited by the submitters: PubMed 30896080 (cited by Ambry Genetics and Labcorp Genetics (formerly Invitae), Labcorp); PubMed 18470943 (cited by Labcorp Genetics (formerly Invitae), Labcorp).